The following is an entry in ClinVar:

NM_006939.4(SOS2):c.970-24_1037dup

Gene: SOS2 (SOS Ras/Rho guanine nucleotide exchange factor 2; minus strand). Cytogenetic location: 14q21.3.
Variant type: Duplication.
Coding change: c.970-24_1037dup on transcript NM_006939.4 (MANE Select); 24 bases into the intron before coding-DNA position 970 through coding-DNA position 1037, 92 bases duplicated.
Molecular consequence: splice acceptor variant.
Genome position (GRCh38, 1-based): chr14:50,174,485-50,174,576, 92 bases duplicated. GRCh37 (hg19): chr14:50,641,205-50,641,296.
Identifiers: ClinVar variation 917790 (VCV000917790.1), dbSNP rs1885463095, ClinGen allele CA1139663482.

ClinVar aggregate classification (germline): Uncertain significance (1 of 4 stars; one submission).

Submission:

Women's Health and Genetics/Laboratory Corporation of America, LabCorp
Classification: Uncertain significance. Last evaluated: 2020-04-20. Review status: criteria provided, single submitter. Criteria: LabCorp Variant Classification Summary - May 2015. Collection method: clinical testing. Allele origin: germline.
Comment: Variant summary: The variant c.970-24_1037dup92, involves a large duplication that overlaps a splice site, which may affect splicing. Several computational tools predict a significant impact on normal splicing: Four predict the variant creates a 3' acceptor site. However, these predictions have yet to be confirmed by functional studies. The variant was absent in 250758 control chromosomes (gnomAD). The available data on variant occurrences in the general population are insufficient to allow any conclusion about variant significance. To our knowledge, no occurrence of c.970-24_1037dup92 in individuals affected with Noonan Syndrome And Related Conditions and no experimental evidence demonstrating its impact on protein function have been reported. No clinical diagnostic laboratories have submitted clinical-significance assessments for this variant to ClinVar after 2014. Based on the evidence outlined above, the variant was classified as uncertain significance.